The following is an entry in ClinVar:

ClinVar aggregate classification (germline): Pathogenic. Review status: criteria provided, multiple submitters, no conflicts (2 of 4 stars). 3 submissions from 3 submitters: Pathogenic (3). Last evaluated 2024-01-25.

Conditions:
Intellectual disability-severe speech delay-mild dysmorphism syndrome (IDDLA). Also called: FOXP1 Syndrome; Intellectual developmental disorder with language impairment AND with or without autistic features; Mental retardation with language impairment and autistic features. Identifiers: Orphanet 391372, MedGen C4013764, MONDO:0013352, OMIM 613670.

Submissions (3):

GeneDx
Classification: Pathogenic. Last evaluated: 2024-01-25. Review status: criteria provided, single submitter. Criteria: GeneDx Variant Classification Process June 2021. Collection method: clinical testing. Allele origin: germline. Affected: yes.
Comment: Nonsense variant predicted to result in protein truncation or nonsense mediated decay in a gene for which loss of function is a known mechanism of disease; Not observed at significant frequency in large population cohorts (gnomAD); Has not been previously published as pathogenic or benign to our knowledge

Victorian Clinical Genetics Services, Murdoch Childrens Research Institute
Classification: Pathogenic for Intellectual disability-severe speech delay-mild dysmorphism syndrome. Last evaluated: 2023-07-17. Review status: criteria provided, single submitter. Criteria: ACMG Guidelines, 2015. Collection method: clinical testing. Allele origin: germline. Inheritance: Autosomal dominant inheritance. Affected: yes.
Comment: Based on the classification scheme VCGS_Germline_v1.3.4, this variant is classified as Pathogenic. Following criteria are met: 0102 - Loss of function is a known mechanism of disease in this gene and is associated with intellectual developmental disorder with language impairment with or without autistic features (MIM#613670). (I) 0107 - This gene is associated with autosomal dominant disease. (I) 0201 - Variant is predicted to cause nonsense-mediated decay (NMD) and loss of protein (premature termination codon is located at least 54 nucleotides upstream of the final exon-exon junction). (SP) 0251 - This variant is heterozygous. (I) 0301 - Variant is absent from gnomAD (both v2 and v3). (SP) 0701 - Other NMD predicted variants comparable to the one identified in this case have very strong previous evidence for pathogenicity (DECIPHER). (SP) 0803 - This variant has limited previous evidence of pathogenicity in an unrelated individual. This variant has been classified as pathogenic by a clinical laboratory in ClinVar. (SP) 0905 - No published segregation evidence has been identified for this variant. (I) 1007 - No published functional evidence has been identified for this variant. (I) 1207 - Parental origin of the variant is unresolved. (I) Legend: (SP) - Supporting pathogenic, (I) - Information, (SB) - Supporting benign

Eurofins Ntd Llc (ga)
Classification: Pathogenic. Last evaluated: 2017-06-16. Review status: criteria provided, single submitter. Criteria: EGL Classification Definitions 2015. Collection method: clinical testing. Allele origin: germline. Observed: 1 variant allele, 1 heterozygote.

NM_001349338.3(FOXP1):c.1329C>A (p.Tyr443Ter)

Gene: FOXP1 (forkhead box P1; minus strand). Cytogenetic location: 3p13.
Variant type: single nucleotide variant.
Coding change: c.1329C>A on transcript NM_001349338.3 (MANE Select); coding-DNA position 1329, C replaced by A.
Protein change: p.Tyr443Ter; replaces tyrosine 443 with a stop codon.
Molecular consequence: nonsense. On other transcripts: non-coding transcript variant (2).
Genome position (GRCh38, 1-based): chr3:70,977,847, G>T on the plus strand (C>A on the coding strand, the complement: FOXP1 is on the minus strand). VCF-style: chr3-70977847-G-T. GRCh37 (hg19) VCF-style: chr3-71026998-G-T.
Other names: c.1329C>A (NM_001349338.1, NM_032682.5); c.1329C>A, p.Tyr443Ter (NM_001244808.3, NM_001244810.2, NM_001244814.3 and 3 more transcripts); c.1101C>A, p.Tyr367Ter (NM_001244812.3); c.1029C>A, p.Tyr343Ter (NM_001244813.3, NM_001244815.2, NM_001349342.3 and 1 more transcripts); c.1026C>A, p.Tyr342Ter (NM_001349337.2, NM_001349343.3, NM_001349344.3); c.1326C>A, p.Tyr442Ter (NM_001349341.3); short protein forms Y443*, Y342*, Y343*, Y367*, Y442*.
Identifiers: ClinVar variation 502549 (VCV000502549.7), dbSNP rs1064793944, ClinGen allele CA353493429.